The following is an entry in ClinVar:

NM_001377.3(DYNC2H1):c.9167C>A (p.Ser3056Ter)

Gene: DYNC2H1 (dynein cytoplasmic 2 heavy chain 1; plus strand). Cytogenetic location: 11q22.3.
Variant type: single nucleotide variant.
Coding change: c.9167C>A on transcript NM_001377.3 (MANE Select); coding-DNA position 9167, C replaced by A.
Protein change: p.Ser3056Ter; replaces serine 3056 with a stop codon.
Molecular consequence: nonsense.
Genome position (GRCh38, 1-based): chr11:103,222,089, C>A. VCF-style: chr11-103222089-C-A. GRCh37 (hg19) VCF-style: chr11-103092818-C-A.
Other names: c.9167C>A, p.Ser3056Ter (NM_001080463.2); short protein forms S3056*.
Identifiers: ClinVar variation 5015164 (VCV005015164.1).
Genomic context (GRCh38, chr11:103,222,089, plus strand): 5'-GTTTCCTTGCAAAAAGAGGTGTAAGAGAAGACATAGCAACCTTTGATGCCCGAAATATTT[C>A]AAAGGAAATAAGAGAGAGTGTTGAAGAACTTCTTTTTAAAAATAAAGGCTCTTTTGATCC-3'

ClinVar aggregate classification (germline): Pathogenic (1 of 4 stars; one submission).

Conditions:
Asphyxiating thoracic dystrophy 3. Also called: SHORT-RIB THORACIC DYSPLASIA 3 WITH OR WITHOUT POLYDACTYLY; POLYDACTYLY WITH NEONATAL CHONDRODYSTROPHY, TYPE I; SHORT-RIB THORACIC DYSPLASIA 3/6 WITH POLYDACTYLY, DIGENIC; Short rib polydactyly syndrome 2B; Saldino-Noonan Syndrome. Identifiers: Orphanet 474, Orphanet 93269, Orphanet 93270, Orphanet 93271, MedGen C0036069, MONDO:0013127, OMIM 613091.

Submission:

Myriad Genetics, Inc.
Classification: Pathogenic for Asphyxiating thoracic dystrophy 3. Last evaluated: 2025-11-04. Review status: criteria provided, single submitter. Criteria: Myriad Autosomal Dominant, Autosomal Recessive and X-Linked Classification Criteria (2023). Collection method: clinical testing. Allele origin: unknown.
Comment: NM_001377.2(DYNC2H1):c.9167C>A(S3056*) is expected to be pathogenic in the context of DYNC2H1-related disorders. This variant is predicted to lead to an abnormal or absent protein product due to the creation of a premature termination codon in DYNC2H1, a gene where loss-of-function variants are known to be pathogenic. Please note: this variant was assessed in the context of healthy population screening.